The following is an entry in ClinVar:

ClinVar aggregate classification (germline): Pathogenic (1 of 4 stars; one submission).

Conditions:
Chédiak-Higashi syndrome (CHS). Also called: Chediak-Higashi Syndrome. Identifiers: Orphanet 167, MedGen C0007965, MONDO:0008963, OMIM 214500.

Submission:

Labcorp Genetics (formerly Invitae), Labcorp
Classification: Pathogenic for Chédiak-Higashi syndrome. Last evaluated: 2024-03-29. Review status: criteria provided, single submitter. Criteria: Invitae Variant Classification Sherloc (09022015). Collection method: clinical testing. Allele origin: germline.
Comment: This sequence change creates a premature translational stop signal (p.Trp3469Glyfs*46) in the LYST gene. It is expected to result in an absent or disrupted protein product. Loss-of-function variants in LYST are known to be pathogenic (PMID: 9215679, 11857544). This variant is not present in population databases (gnomAD no frequency). This variant has not been reported in the literature in individuals affected with LYST-related conditions. For these reasons, this variant has been classified as Pathogenic.

Literature cited by the submitters: PubMed 9215679; PubMed 11857544.

NM_000081.4(LYST):c.10405del (p.Trp3469fs)

Gene: LYST (lysosomal trafficking regulator; minus strand). Cytogenetic location: 1q42.3.
Variant type: Deletion.
Coding change: c.10405del on transcript NM_000081.4 (MANE Select); coding-DNA position 10405, one base deleted (T; older notation c.10405delT).
Protein change: p.Trp3469fs; shifts the reading frame from tryptophan 3469.
Molecular consequence: frameshift variant.
Genome position (GRCh38, 1-based): chr1:235,697,242, A deleted on the plus strand (T on the coding strand, the reverse complement: LYST is on the minus strand). VCF-style (leftmost placement, unchanged base first): chr1-235697241-CA-C. GRCh37 (hg19) VCF-style: chr1-235860541-CA-C.
Other names: c.10405del, p.Trp3469fs (NM_001301365.1); short protein forms W3469fs.
Identifiers: ClinVar variation 3688954 (VCV003688954.2).